The following is an entry in ClinVar:

ClinVar aggregate classification (germline): Likely benign (1 of 4 stars; one submission).

gnomAD v4.1: 219 of 1,063,612 alleles (0.021%); highest among the groups gnomAD compares: South Asian, 0.23%; 69 homozygotes.

Submission:

CeGaT Center for Human Genetics Tuebingen
Classification: Likely benign. Last evaluated: 2023-12-01. Review status: criteria provided, single submitter. Criteria: CeGaT Center For Human Genetics Tuebingen Variant Classification Criteria Version 2. Collection method: clinical testing. Allele origin: germline. Affected: yes. Observed: 1 variant allele.
Comment: AHNAK2: BP4, BS2

NM_138420.4(AHNAK2):c.4431G>T (p.Glu1477Asp)

Gene: AHNAK2 (AHNAK nucleoprotein 2; minus strand). Cytogenetic location: 14q32.33.
Variant type: single nucleotide variant.
Coding change: c.4431G>T on transcript NM_138420.4 (MANE Select); coding-DNA position 4431, G replaced by T.
Protein change: p.Glu1477Asp; replaces glutamic acid 1477 with aspartic acid.
Molecular consequence: missense variant.
Genome position (GRCh38, 1-based): chr14:104,951,020, C>A on the plus strand (G>T on the coding strand, the complement: AHNAK2 is on the minus strand). VCF-style: chr14-104951020-C-A. GRCh37 (hg19) VCF-style: chr14-105417357-C-A.
Other names: c.4131G>T, p.Glu1377Asp (NM_001350929.2); short protein forms E1377D, E1477D.
Identifiers: ClinVar variation 4821905 (VCV004821905.4).